The following is an entry in ClinVar:

NM_006231.4(POLE):c.2101G>A (p.Glu701Lys)

Gene: POLE (DNA polymerase epsilon, catalytic subunit; minus strand). Cytogenetic location: 12q24.33.
Variant type: single nucleotide variant.
Coding change: c.2101G>A on transcript NM_006231.4 (MANE Select); coding-DNA position 2101, G replaced by A.
Protein change: p.Glu701Lys; replaces glutamic acid 701 with lysine.
Molecular consequence: missense variant.
Genome position (GRCh38, 1-based): chr12:132,668,428, C>T on the plus strand (G>A on the coding strand, the complement: POLE is on the minus strand). VCF-style: chr12-132668428-C-T. GRCh37 (hg19) VCF-style: chr12-133245014-C-T.
Other names: short protein forms E701K.
Identifiers: ClinVar variation 1785924 (VCV001785924.5), dbSNP rs2042845113, ClinGen allele CA387353971.

ClinVar aggregate classification (germline): Uncertain significance. Review status: criteria provided, multiple submitters, no conflicts (2 of 4 stars). 2 submissions from 2 submitters: Uncertain significance (2). Last evaluated 2024-05-21.

Conditions:
Hereditary cancer-predisposing syndrome. Also called: Neoplastic Syndromes, Hereditary; Tumor predisposition; Hereditary Cancer Syndrome; Hereditary neoplastic syndrome. Identifiers: Orphanet 140162, MedGen C0027672, MeSH D009386, MONDO:0015356.

Allele frequency attached by ClinVar (database versions not stated): TOPMed below 0.00001; gnomAD 0.00001.
gnomAD v4.1: 1 of 1,612,814 alleles (0.000062%); highest among the groups gnomAD compares: African/African-American, 0.0013%; no homozygotes.

Submissions (2):

Labcorp Genetics (formerly Invitae), Labcorp
Classification: Uncertain significance. Last evaluated: 2024-05-21. Review status: criteria provided, single submitter. Criteria: Invitae Variant Classification Sherloc (09022015). Collection method: clinical testing. Allele origin: germline.
Comment: This sequence change replaces glutamic acid, which is acidic and polar, with lysine, which is basic and polar, at codon 701 of the POLE protein (p.Glu701Lys). This variant is not present in population databases (gnomAD no frequency). This variant has not been reported in the literature in individuals affected with POLE-related conditions. ClinVar contains an entry for this variant (Variation ID: 1785924). Advanced modeling of protein sequence and biophysical properties (such as structural, functional, and spatial information, amino acid conservation, physicochemical variation, residue mobility, and thermodynamic stability) performed at Invitae indicates that this missense variant is not expected to disrupt POLE protein function with a negative predictive value of 80%. In summary, the available evidence is currently insufficient to determine the role of this variant in disease. Therefore, it has been classified as a Variant of Uncertain Significance.

Ambry Genetics
Classification: Uncertain significance for Hereditary cancer-predisposing syndrome. Last evaluated: 2021-09-10. Review status: criteria provided, single submitter. Criteria: Ambry Variant Classification Scheme 2023. Collection method: clinical testing. Allele origin: germline.
Comment: The p.E701K variant (also known as c.2101G>A), located in coding exon 19 of the POLE gene, results from a G to A substitution at nucleotide position 2101. The glutamic acid at codon 701 is replaced by lysine, an amino acid with similar properties. This amino acid position is conserved. In addition, this alteration is predicted to be tolerated by in silico analysis. Since supporting evidence is limited at this time, the clinical significance of this alteration remains unclear.